The following is an entry in ClinVar:

ClinVar aggregate classification (germline): Uncertain significance (1 of 4 stars; one submission).

Conditions:
RYR1-related disorder. Also called: RYR1-related condition; RYR1-related disorders. Identifiers: MedGen CN239331.

Submission:

Labcorp Genetics (formerly Invitae), Labcorp
Classification: Uncertain significance for RYR1-related disorder. Last evaluated: 2021-08-27. Review status: criteria provided, single submitter. Criteria: Invitae Variant Classification Sherloc (09022015). Collection method: clinical testing. Allele origin: germline.
Comment: This sequence change replaces methionine with lysine at codon 1636 of the RYR1 protein (p.Met1636Lys). The methionine residue is highly conserved and there is a moderate physicochemical difference between methionine and lysine. This variant is not present in population databases (ExAC no frequency). This variant has not been reported in the literature in individuals affected with RYR1-related conditions. Advanced modeling of protein sequence and biophysical properties (such as structural, functional, and spatial information, amino acid conservation, physicochemical variation, residue mobility, and thermodynamic stability) performed at Invitae indicates that this missense variant is expected to disrupt RYR1 protein function. In summary, the available evidence is currently insufficient to determine the role of this variant in disease. Therefore, it has been classified as a Variant of Uncertain Significance.

NM_000540.3(RYR1):c.4907T>A (p.Met1636Lys)

Gene: RYR1 (ryanodine receptor 1; plus strand). Cytogenetic location: 19q13.2.
Variant type: single nucleotide variant.
Coding change: c.4907T>A on transcript NM_000540.3 (MANE Select); coding-DNA position 4907, T replaced by A.
Protein change: p.Met1636Lys; replaces methionine 1636 with lysine.
Molecular consequence: missense variant.
Genome position (GRCh38, 1-based): chr19:38,483,489, T>A. VCF-style: chr19-38483489-T-A. GRCh37 (hg19) VCF-style: chr19-38974129-T-A.
Other names: c.4907T>A, p.Met1636Lys (NM_001042723.2); short protein forms M1636K.
Identifiers: ClinVar variation 1022272 (VCV001022272.6), dbSNP rs1969121315, ClinGen allele CA405650951.